The following is an entry in ClinVar:

NM_003098.3(SNTA1):c.944T>G (p.Leu315Arg)

Gene: SNTA1 (syntrophin alpha 1; minus strand). Cytogenetic location: 20q11.21.
Variant type: single nucleotide variant.
Coding change: c.944T>G on transcript NM_003098.3 (MANE Select); coding-DNA position 944, T replaced by G.
Protein change: p.Leu315Arg; replaces leucine 315 with arginine.
Molecular consequence: missense variant.
Genome position (GRCh38, 1-based): chr20:33,412,392, A>C on the plus strand (T>G on the coding strand, the complement: SNTA1 is on the minus strand). VCF-style: chr20-33412392-A-C. GRCh37 (hg19) VCF-style: chr20-32000198-A-C.
Other names: short protein forms L315R.
Identifiers: ClinVar variation 4780186 (VCV004780186.1), dbSNP rs754344254.

ClinVar aggregate classification (germline): Uncertain significance (1 of 4 stars; one submission).

Conditions:
Long QT syndrome (LQTS). Identifiers: MedGen C0023976, MeSH D008133, MONDO:0002442. Disease mechanism: loss of function. Inheritance: Various modes of inheritance.

Submission:

Labcorp Genetics (formerly Invitae), Labcorp
Classification: Uncertain significance for Long QT syndrome. Last evaluated: 2025-06-03. Review status: criteria provided, single submitter. Criteria: Invitae Variant Classification Sherloc (09022015). Collection method: clinical testing. Allele origin: germline.
Comment: This sequence change replaces leucine, which is neutral and non-polar, with arginine, which is basic and polar, at codon 315 of the SNTA1 protein (p.Leu315Arg). This variant is not present in population databases (gnomAD no frequency). This variant has not been reported in the literature in individuals affected with SNTA1-related conditions. Invitae Evidence Modeling of protein sequence and biophysical properties (such as structural, functional, and spatial information, amino acid conservation, physicochemical variation, residue mobility, and thermodynamic stability) indicates that this missense variant is not expected to disrupt SNTA1 protein function with a negative predictive value of 80%. In summary, the available evidence is currently insufficient to determine the role of this variant in disease. Therefore, it has been classified as a Variant of Uncertain Significance.